The following is an entry in ClinVar:

NM_020745.4(AARS2):c.2598+9_2598+11del

Gene: AARS2 (alanyl-tRNA synthetase 2, mitochondrial; minus strand). Cytogenetic location: 6p21.1.
Variant type: Microsatellite.
Coding change: c.2598+9_2598+11del on transcript NM_020745.4 (MANE Select); bases 9 to 11 of the intron after coding-DNA position 2598, 3 bases deleted (AGG; older notation c.2598+9_2598+11delAGG).
Molecular consequence: intron variant.
Genome position (GRCh38, 1-based): chr6:44,302,049-44,302,051, CCT deleted on the plus strand (AGG on the coding strand, the reverse complement: AARS2 is on the minus strand); deleting any 3 consecutive bases within chr6:44,302,049-44,302,055 gives the same sequence; the c. name uses the placement nearest the transcript's 3' end. VCF-style (leftmost placement, unchanged base first): chr6-44302048-ACCT-A. GRCh37 (hg19) VCF-style: chr6-44269785-ACCT-A.
Other names: c.2598+9_2598+11delAGG (NM_020745.2); c.2598+9_2598+11del (NM_020745.3).
Identifiers: ClinVar variation 422372 (VCV000422372.7), dbSNP rs773017457, ClinGen allele CA3833921.

ClinVar aggregate classification (germline): Likely benign. Review status: criteria provided, multiple submitters, no conflicts (2 of 4 stars). 3 submissions from 3 submitters: Likely benign (3). Last evaluated 2025-07-24.

Submissions (3):

Molecular Diagnostic Laboratory for Inherited Cardiovascular Disease, Montreal Heart Institute
Classification: Likely benign. Last evaluated: 2025-07-24. Review status: criteria provided, single submitter. Criteria: ACMG Guidelines, 2015. Collection method: clinical testing. Allele origin: germline. Affected: no.

Labcorp Genetics (formerly Invitae), Labcorp
Classification: Likely benign. Last evaluated: 2024-01-05. Review status: criteria provided, single submitter. Criteria: Invitae Variant Classification Sherloc (09022015). Collection method: clinical testing. Allele origin: germline.

GeneDx
Classification: Likely benign. Last evaluated: 2016-11-07. Review status: criteria provided, single submitter. Criteria: GeneDx Variant Classification (06012015). Collection method: clinical testing. Allele origin: germline. Affected: yes.
Comment: This variant is considered likely benign or benign based on one or more of the following criteria: it is a conservative change, it occurs at a poorly conserved position in the protein, it is predicted to be benign by multiple in silico algorithms, and/or has population frequency not consistent with disease.